The following is an entry in ClinVar:

ClinVar aggregate classification (germline): Uncertain significance. Review status: criteria provided, multiple submitters, no conflicts (2 of 4 stars). 3 submissions from 3 submitters: Uncertain significance (3). Last evaluated 2025-09-12.

Conditions:
Hereditary cancer-predisposing syndrome. Also called: Tumor predisposition; Hereditary Cancer Syndrome; Neoplastic Syndromes, Hereditary; Hereditary neoplastic syndrome. Identifiers: Orphanet 140162, MedGen C0027672, MeSH D009386, MONDO:0015356.
Tuberous sclerosis 1 (TSC1). Identifiers: Orphanet 805, MedGen C1854465, MONDO:0008612, OMIM 191100.
Tuberous sclerosis syndrome (TSC). Also called: Tuberous Sclerosis Complex; Tuberous sclerosis. Identifiers: Orphanet 805, MedGen C0041341, MONDO:0001734.

gnomAD v4.1: 4 of 1,614,226 alleles (0.00025%); highest among the groups gnomAD compares: Non-Finnish European, 0.00025%; no homozygotes.

Submissions (3):

Ambry Genetics
Classification: Uncertain significance for Hereditary cancer-predisposing syndrome. Last evaluated: 2025-09-12. Review status: criteria provided, single submitter. Criteria: Ambry Variant Classification Scheme 2023. Collection method: clinical testing. Allele origin: germline.
Comment: The p.S642F variant (also known as c.1925C>T), located in coding exon 13 of the TSC1 gene, results from a C to T substitution at nucleotide position 1925. The serine at codon 642 is replaced by phenylalanine, an amino acid with highly dissimilar properties. This amino acid position is conserved. In addition, the in silico prediction for this alteration is inconclusive. Since supporting evidence is limited at this time, the clinical significance of this alteration remains unclear.

Labcorp Genetics (formerly Invitae), Labcorp
Classification: Uncertain significance for Tuberous sclerosis 1. Last evaluated: 2024-04-10. Review status: criteria provided, single submitter. Criteria: Invitae Variant Classification Sherloc (09022015). Collection method: clinical testing. Allele origin: germline.
Comment: This sequence change replaces serine, which is neutral and polar, with phenylalanine, which is neutral and non-polar, at codon 642 of the TSC1 protein (p.Ser642Phe). This variant is not present in population databases (gnomAD no frequency). This variant has not been reported in the literature in individuals affected with TSC1-related conditions. ClinVar contains an entry for this variant (Variation ID: 1010036). Advanced modeling of protein sequence and biophysical properties (such as structural, functional, and spatial information, amino acid conservation, physicochemical variation, residue mobility, and thermodynamic stability) performed at Invitae indicates that this missense variant is not expected to disrupt TSC1 protein function with a negative predictive value of 95%. In summary, the available evidence is currently insufficient to determine the role of this variant in disease. Therefore, it has been classified as a Variant of Uncertain Significance.

All of Us Research Program, National Institutes of Health
Classification: Uncertain significance for Tuberous sclerosis syndrome. Last evaluated: 2024-03-05. Review status: criteria provided, single submitter. Criteria: ACMG Guidelines, 2015. Collection method: clinical testing. Allele origin: germline. Inheritance: Autosomal dominant inheritance. Observed: 1 variant allele, 1 heterozygote.
Comment: This study involves interpretation of variants in research participants for the purpose of population health screening. Participant phenotype was not available at the time of variant classification. Additional details can be found in publication PMID: 35346344, PMCID: PMC8962531

NM_000368.5(TSC1):c.1925C>T (p.Ser642Phe)

Gene: TSC1 (TSC complex subunit 1; minus strand). Cytogenetic location: 9q34.13.
Variant type: single nucleotide variant.
Coding change: c.1925C>T on transcript NM_000368.5 (MANE Select); coding-DNA position 1925, C replaced by T.
Protein change: p.Ser642Phe; replaces serine 642 with phenylalanine.
Molecular consequence: missense variant.
Genome position (GRCh38, 1-based): chr9:132,905,653, G>A on the plus strand (C>T on the coding strand, the complement: TSC1 is on the minus strand). VCF-style: chr9-132905653-G-A. GRCh37 (hg19) VCF-style: chr9-135781040-G-A.
Other names: c.1922C>T, p.Ser641Phe (NM_001162426.2); c.1772C>T, p.Ser591Phe (NM_001162427.2); c.1562C>T, p.Ser521Phe (NM_001362177.2); c.1925C>T (NM_000368.4); short protein forms S521F, S591F, S641F, S642F.
Identifiers: ClinVar variation 1010036 (VCV001010036.10), dbSNP rs1845610761, ClinGen allele CA375362639.